The following is an entry in ClinVar:

NM_005733.3(KIF20A):c.691G>A (p.Gly231Ser)

Gene: KIF20A (kinesin family member 20A; plus strand). Cytogenetic location: 5q31.2.
Variant type: single nucleotide variant.
Coding change: c.691G>A on transcript NM_005733.3 (MANE Select); coding-DNA position 691, G replaced by A.
Protein change: p.Gly231Ser; replaces glycine 231 with serine.
Molecular consequence: missense variant.
Genome position (GRCh38, 1-based): chr5:138,182,762, G>A. VCF-style: chr5-138182762-G-A. GRCh37 (hg19) VCF-style: chr5-137518451-G-A.
Other names: c.691G>A (NM_005733.2); short protein forms G231S.
Identifiers: ClinVar variation 1381560 (VCV001381560.7), dbSNP rs747414511, ClinGen allele CA3426360.

ClinVar aggregate classification (germline): Uncertain significance. Review status: criteria provided, multiple submitters, no conflicts (2 of 4 stars). 2 submissions from 2 submitters: Uncertain significance (2). Last evaluated 2026-01-28.

Allele frequency attached by ClinVar (database versions not stated): gnomAD 0.00001; gnomAD exomes 0.00002; TOPMed 0.00002; ExAC 0.00003.

Submissions (2):

Labcorp Genetics (formerly Invitae), Labcorp
Classification: Uncertain significance. Last evaluated: 2026-01-28. Review status: criteria provided, single submitter. Criteria: Invitae Variant Classification Sherloc (09022015). Collection method: clinical testing. Allele origin: germline.
Comment: This sequence change replaces glycine, which is neutral and non-polar, with serine, which is neutral and polar, at codon 231 of the KIF20A protein (p.Gly231Ser). This variant is present in population databases (rs747414511, gnomAD 0.004%). This variant has not been reported in the literature in individuals affected with KIF20A-related conditions. ClinVar contains an entry for this variant (Variation ID: 1381560). An algorithm developed to predict the effect of missense changes on protein structure and function outputs the following: PolyPhen-2: "Benign". The serine amino acid residue is found in multiple mammalian species, which suggests that this missense change does not adversely affect protein function. In summary, the available evidence is currently insufficient to determine the role of this variant in disease. Therefore, it has been classified as a Variant of Uncertain Significance.

Ambry Genetics
Classification: Uncertain significance. Last evaluated: 2025-09-22. Review status: criteria provided, single submitter. Criteria: Ambry Variant Classification Scheme 2023. Collection method: clinical testing. Allele origin: germline.